The following is an entry in ClinVar:

ClinVar aggregate classification (germline): Likely benign (1 of 4 stars; one submission).

Allele frequency attached by ClinVar (database versions not stated): gnomAD exomes 0.00001; TOPMed 0.00001; ExAC 0.00002; gnomAD 0.00002; ESP Exome Variant Server 0.00008; 1000 Genomes Project 0.00020; 1000 Genomes Project 30x 0.00031.
gnomAD v4.1: 8 of 1,612,448 alleles (0.0005%); highest among the groups gnomAD compares: Middle Eastern, 0.021%; no homozygotes.

Submission:

CeGaT Center for Human Genetics Tuebingen
Classification: Likely benign. Last evaluated: 2023-01-01. Review status: criteria provided, single submitter. Criteria: CeGaT Center For Human Genetics Tuebingen Variant Classification Criteria Version 2. Collection method: clinical testing. Allele origin: germline. Affected: yes. Observed: 1 variant allele.
Comment: PI4KA: BP4, BP7

NM_058004.4(PI4KA):c.4089T>C (p.Asp1363=)

Gene: PI4KA (phosphatidylinositol 4-kinase alpha; minus strand). Cytogenetic location: 22q11.21.
Variant type: single nucleotide variant.
Coding change: c.4089T>C on transcript NM_058004.4 (MANE Select); coding-DNA position 4089, T replaced by C.
Protein change: p.Asp1363=; no amino-acid change (aspartic acid 1363 retained).
Molecular consequence: synonymous variant.
Genome position (GRCh38, 1-based): chr22:20,733,807, A>G on the plus strand (T>C on the coding strand, the complement: PI4KA is on the minus strand). VCF-style: chr22-20733807-A-G. GRCh37 (hg19) VCF-style: chr22-21088095-A-G.
Other names: c.3996T>C, p.Asp1332= (NM_001362862.2); c.4023T>C, p.Asp1341= (NM_001362863.2).
Identifiers: ClinVar variation 2652914 (VCV002652914.24), dbSNP rs144725849, ClinGen allele CA10115180.